The following is an entry in ClinVar:

ClinVar aggregate classification (germline): Uncertain significance. Review status: criteria provided, multiple submitters, no conflicts (2 of 4 stars). 2 submissions from 2 submitters: Uncertain significance (2). Last evaluated 2025-08-25.

Conditions:
Atypical hemolytic-uremic syndrome with thrombomodulin anomaly. Also called: HEMOLYTIC UREMIC SYNDROME, ATYPICAL, SUSCEPTIBILITY TO, 6; AHUS, SUSCEPTIBILITY TO, 6. Identifiers: MedGen C2752036, MONDO:0013044, OMIM 612926. Disease mechanism: gain of function.

Allele frequency attached by ClinVar (database versions not stated): gnomAD exomes below 0.00001.
gnomAD v4.1: 4 of 1,597,892 alleles (0.00025%); highest among the groups gnomAD compares: Non-Finnish European, 0.00034%; no homozygotes.

Submissions (2):

Labcorp Genetics (formerly Invitae), Labcorp
Classification: Uncertain significance. Last evaluated: 2025-08-25. Review status: criteria provided, single submitter. Criteria: Invitae Variant Classification Sherloc (09022015). Collection method: clinical testing. Allele origin: germline.
Comment: This sequence change affects codon 295 of the THBD mRNA. It is a 'silent' change, meaning that it does not change the encoded amino acid sequence of the THBD protein. This variant is not present in population databases (gnomAD no frequency). This variant has not been reported in the literature in individuals affected with THBD-related conditions. ClinVar contains an entry for this variant (Variation ID: 896686). In summary, the available evidence is currently insufficient to determine the role of this variant in disease. Therefore, it has been classified as a Variant of Uncertain Significance.

Illumina Laboratory Services, Illumina
Classification: Uncertain significance for Atypical hemolytic-uremic syndrome with thrombomodulin anomaly. Last evaluated: 2018-01-13. Review status: criteria provided, single submitter. Criteria: ICSL Variant Classification Criteria 13 December 2019. Collection method: clinical testing. Allele origin: germline.

NM_000361.3(THBD):c.885C>T (p.Phe295=)

Gene: THBD (thrombomodulin; minus strand). Cytogenetic location: 20p11.21.
Variant type: single nucleotide variant.
Coding change: c.885C>T on transcript NM_000361.3 (MANE Select); coding-DNA position 885, C replaced by T.
Protein change: p.Phe295=; no amino-acid change (phenylalanine 295 retained).
Molecular consequence: synonymous variant.
Genome position (GRCh38, 1-based): chr20:23,048,620, G>A on the plus strand (C>T on the coding strand, the complement: THBD is on the minus strand). VCF-style: chr20-23048620-G-A. GRCh37 (hg19) VCF-style: chr20-23029257-G-A.
Identifiers: ClinVar variation 896686 (VCV000896686.5), dbSNP rs1568666169, ClinGen allele CA510160743.
Genomic context (GRCh38, chr20:23,048,620, plus strand): 5'-CCGGTAGCCGGTCTCGCACATGCACGAGTAGGAGCCCGGCTGGTCGGGGTTGGGAACGCA[G>A]AAGTGCTCGCAGAGGTCGTTGCAGGACTGCGTCGCGGATGCGGTGCAGGAGCGCCCGTCT-3'
Protein context (NP_000352.1, residues 285-305): TQSCNDLCEH[Phe295=]CVPNPDQPGS